The following is an entry in ClinVar:

ClinVar aggregate classification (germline): Likely benign. Review status: criteria provided, multiple submitters, no conflicts (2 of 4 stars). 2 submissions from 2 submitters: Likely benign (2). Last evaluated 2024-06-12.

Allele frequency attached by ClinVar (database versions not stated): gnomAD 0.00001; gnomAD exomes 0.00001 and 0.00003; TOPMed 0.00001; ExAC 0.00002.
gnomAD v4.1: 13 of 1,613,522 alleles (0.00081%); highest among the groups gnomAD compares: Non-Finnish European, 0.0011%; no homozygotes.

Submissions (2):

Labcorp Genetics (formerly Invitae), Labcorp
Classification: Likely benign. Last evaluated: 2024-06-12. Review status: criteria provided, single submitter. Criteria: Invitae Variant Classification Sherloc (09022015). Collection method: clinical testing. Allele origin: germline.

CeGaT Center for Human Genetics Tuebingen
Classification: Likely benign. Last evaluated: 2024-01-01. Review status: criteria provided, single submitter. Criteria: CeGaT Center For Human Genetics Tuebingen Variant Classification Criteria Version 2. Collection method: clinical testing. Allele origin: germline. Affected: yes. Observed: 1 variant allele.
Comment: COL18A1: BP4

NM_001379500.1(COL18A1):c.2684-7C>T

Genes: COL18A1 (collagen type XVIII alpha 1 chain; plus strand), SLC19A1 (solute carrier family 19 member 1; minus strand). Cytogenetic location: 21q22.3.
Variant type: single nucleotide variant.
Coding change: c.2684-7C>T on transcript NM_001379500.1 (MANE Select); 7 bases into the intron before coding-DNA position 2684, C replaced by T.
Molecular consequence: intron variant.
Genome position (GRCh38, 1-based): chr21:45,504,004, C>T. VCF-style: chr21-45504004-C-T. GRCh37 (hg19) VCF-style: chr21-46923918-C-T.
Other names: c.3929-7C>T (NM_130444.3); c.3224-7C>T (NM_030582.4).
Identifiers: ClinVar variation 1643771 (VCV001643771.30), dbSNP rs775920878, ClinGen allele CA10067389.